The following is an entry in ClinVar:

NM_007194.4(CHEK2):c.410_413del (p.Arg137fs)

Gene: CHEK2 (checkpoint kinase 2; minus strand). Cytogenetic location: 22q12.1.
Variant type: Deletion.
Coding change: c.410_413del on transcript NM_007194.4 (MANE Select); coding-DNA positions 410 to 413, 4 bases deleted (GAAC; older notation c.410_413delGAAC).
Protein change: p.Arg137fs; shifts the reading frame from arginine 137.
Molecular consequence: frameshift variant.
Genome position (GRCh38, 1-based): chr22:28,725,274-28,725,277, GTTC deleted on the plus strand (GAAC on the coding strand, the reverse complement: CHEK2 is on the minus strand); deleting any 4 consecutive bases within chr22:28,725,274-28,725,278 gives the same sequence; the c. name uses the placement nearest the transcript's 3' end. VCF-style (leftmost placement, unchanged base first): chr22-28725273-TGTTC-T. GRCh37 (hg19) VCF-style: chr22-29121261-TGTTC-T.
Other names: c.538_541delCGAA, p.Arg180Hisfs (NM_001005735.3); c.-369_-366delCGAA (NM_001257387.3); c.409_412delCGAA, p.Arg137Hisfs (NM_001349956.3, NM_145862.3); short protein forms R137fs, R180fs.
Identifiers: ClinVar variation 3772364 (VCV003772364.13).

ClinVar aggregate classification (germline): Pathogenic (1 of 4 stars; one submission).

Submission:

CeGaT Center for Human Genetics Tuebingen
Classification: Pathogenic. Last evaluated: 2025-02-01. Review status: criteria provided, single submitter. Criteria: CeGaT Center For Human Genetics Tuebingen Variant Classification Criteria Version 2. Collection method: clinical testing. Allele origin: germline. Affected: yes. Observed: 1 variant allele.
Comment: CHEK2: PVS1, PM2